The following is an entry in ClinVar:

NM_001556.3(IKBKB):c.1306A>G (p.Ser436Gly)

Gene: IKBKB (inhibitor of nuclear factor kappa B kinase subunit beta; plus strand). Cytogenetic location: 8p11.21.
Variant type: single nucleotide variant.
Coding change: c.1306A>G on transcript NM_001556.3 (MANE Select); coding-DNA position 1306, A replaced by G.
Protein change: p.Ser436Gly; replaces serine 436 with glycine.
Molecular consequence: missense variant. On other transcripts: non-coding transcript variant (3).
Genome position (GRCh38, 1-based): chr8:42,318,617, A>G. VCF-style: chr8-42318617-A-G. GRCh37 (hg19) VCF-style: chr8-42176135-A-G.
Other names: c.1114A>G, p.Ser372Gly (NM_001190720.3); c.1129A>G, p.Ser377Gly (NM_001242778.2); short protein forms S372G, S436G, S377G.
Identifiers: ClinVar variation 3675818 (VCV003675818.2).

ClinVar aggregate classification (germline): Uncertain significance (1 of 4 stars; one submission).

Conditions:
Severe combined immunodeficiency due to IKK2 deficiency. Also called: Immunodeficiency 15; IMMUNODEFICIENCY 15B. Identifiers: Orphanet 397787, MedGen C4747743, MONDO:0014267, OMIM 615592.

gnomAD v4.1: 1 of 1,613,800 alleles (0.000062%); highest among the groups gnomAD compares: East Asian, 0.0022%; no homozygotes.

Submission:

Labcorp Genetics (formerly Invitae), Labcorp
Classification: Uncertain significance for Severe combined immunodeficiency due to IKK2 deficiency. Last evaluated: 2024-05-12. Review status: criteria provided, single submitter. Criteria: Invitae Variant Classification Sherloc (09022015). Collection method: clinical testing. Allele origin: germline.
Comment: This sequence change replaces serine, which is neutral and polar, with glycine, which is neutral and non-polar, at codon 436 of the IKBKB protein (p.Ser436Gly). This variant is present in population databases (rs574886589, gnomAD 0.006%). This variant has not been reported in the literature in individuals affected with IKBKB-related conditions. Advanced modeling of protein sequence and biophysical properties (such as structural, functional, and spatial information, amino acid conservation, physicochemical variation, residue mobility, and thermodynamic stability) performed at Invitae indicates that this missense variant is not expected to disrupt IKBKB protein function with a negative predictive value of 95%. In summary, the available evidence is currently insufficient to determine the role of this variant in disease. Therefore, it has been classified as a Variant of Uncertain Significance.